The following is an entry in ClinVar:

ClinVar aggregate classification (germline): Uncertain significance (1 of 4 stars; one submission).

Allele frequency attached by ClinVar (database versions not stated): ExAC 0.00002; gnomAD exomes 0.00002.

Submission:

Labcorp Genetics (formerly Invitae), Labcorp
Classification: Uncertain significance. Last evaluated: 2024-04-02. Review status: criteria provided, single submitter. Criteria: Invitae Variant Classification Sherloc (09022015). Collection method: clinical testing. Allele origin: germline.
Comment: This sequence change replaces proline, which is neutral and non-polar, with serine, which is neutral and polar, at codon 294 of the KLF10 protein (p.Pro294Ser). This variant is present in population databases (rs772631084, gnomAD 0.01%). This variant has not been reported in the literature in individuals affected with KLF10-related conditions. ClinVar contains an entry for this variant (Variation ID: 1404524). An algorithm developed to predict the effect of missense changes on protein structure and function (PolyPhen-2) suggests that this variant is likely to be tolerated. In summary, the available evidence is currently insufficient to determine the role of this variant in disease. Therefore, it has been classified as a Variant of Uncertain Significance.

NM_005655.4(KLF10):c.880C>T (p.Pro294Ser)

Gene: KLF10 (KLF transcription factor 10; minus strand). Cytogenetic location: 8q22.3.
Variant type: single nucleotide variant.
Coding change: c.880C>T on transcript NM_005655.4 (MANE Select); coding-DNA position 880, C replaced by T.
Protein change: p.Pro294Ser; replaces proline 294 with serine.
Molecular consequence: missense variant.
Genome position (GRCh38, 1-based): chr8:102,651,452, G>A on the plus strand (C>T on the coding strand, the complement: KLF10 is on the minus strand). VCF-style: chr8-102651452-G-A. GRCh37 (hg19) VCF-style: chr8-103663680-G-A.
Other names: c.847C>T, p.Pro283Ser (NM_001032282.4); short protein forms P294S, P283S.
Identifiers: ClinVar variation 1404524 (VCV001404524.8), dbSNP rs772631084, ClinGen allele CA4833522.
Genomic context (GRCh38, chr8:102,651,452, plus strand): 5'-TGGGGACTTGTGTGCCCATGAACACAACAGGGGGGCAAACGGCTGGTGGCTGGCTGGGAG[G>A]AGTGCTGGGAACGACTGTTGTCACAACAGGGTTGTTGGCAGGAAGGGGAACCATCTGGCA-3'
Protein context (NP_005646.1, residues 284-304): PVVTTVVPST[Pro294Ser]PSQPPAVCPP